The following is an entry in ClinVar:

ClinVar aggregate classification (germline): Pathogenic (1 of 4 stars; one submission).

Conditions:
Benign neonatal seizures. Also called: Benign neonatal familial convulsions; Benign familial neonatal seizures; Convulsions benign familial neonatal dominant form; Autosomal dominant form of benign neonatal seizures; Benign familial neonatal epilepsy. Identifiers: Orphanet 1949, MedGen C0220669, MONDO:0016027.

Submission:

Labcorp Genetics (formerly Invitae), Labcorp
Classification: Pathogenic for Benign neonatal seizures. Last evaluated: 2022-12-02. Review status: criteria provided, single submitter. Criteria: Invitae Variant Classification Sherloc (09022015). Collection method: clinical testing. Allele origin: germline.
Comment: For these reasons, this variant has been classified as Pathogenic. ClinVar contains an entry for this variant (Variation ID: 538551). This variant has not been reported in the literature in individuals affected with KCNQ3-related conditions. This variant is not present in population databases (gnomAD no frequency). This sequence change creates a premature translational stop signal (p.Gln360*) in the KCNQ3 gene. It is expected to result in an absent or disrupted protein product. Loss-of-function variants in KCNQ3 are known to be pathogenic (PMID: 29383681, 29852413).

Literature cited by the submitters: PubMed 29383681; PubMed 29852413.

NM_004519.4(KCNQ3):c.1078C>T (p.Gln360Ter)

Gene: KCNQ3 (potassium voltage-gated channel subfamily Q member 3; minus strand). Cytogenetic location: 8q24.22.
Variant type: single nucleotide variant.
Coding change: c.1078C>T on transcript NM_004519.4 (MANE Select); coding-DNA position 1078, C replaced by T.
Protein change: p.Gln360Ter; replaces glutamine 360 with a stop codon.
Molecular consequence: nonsense.
Genome position (GRCh38, 1-based): chr8:132,172,660, G>A on the plus strand (C>T on the coding strand, the complement: KCNQ3 is on the minus strand). VCF-style: chr8-132172660-G-A. GRCh37 (hg19) VCF-style: chr8-133184907-G-A.
Other names: c.718C>T, p.Gln240Ter (NM_001204824.2); short protein forms Q360*, Q240*.
Identifiers: ClinVar variation 538551 (VCV000538551.8), dbSNP rs1554627019, ClinGen allele CA372289962.